The following is an entry in ClinVar:

NM_004415.4(DSP):c.6351T>A (p.Asp2117Glu)

Gene: DSP (desmoplakin; plus strand). Cytogenetic location: 6p24.3.
Variant type: single nucleotide variant.
Coding change: c.6351T>A on transcript NM_004415.4 (MANE Select); coding-DNA position 6351, T replaced by A.
Protein change: p.Asp2117Glu; replaces aspartic acid 2117 with glutamic acid.
Molecular consequence: missense variant.
Genome position (GRCh38, 1-based): chr6:7,583,613, T>A. VCF-style: chr6-7583613-T-A. GRCh37 (hg19) VCF-style: chr6-7583846-T-A.
Other names: c.4554T>A, p.Asp1518Glu (NM_001008844.3); c.5022T>A, p.Asp1674Glu (NM_001319034.2); short protein forms D1518E, D1674E, D2117E.
Identifiers: ClinVar variation 3072492 (VCV003072492.1), dbSNP rs148743859, ClinGen allele CA362690614.

ClinVar aggregate classification (germline): Uncertain significance (1 of 4 stars; one submission).

Conditions:
Arrhythmogenic cardiomyopathy with wooly hair and keratoderma. Also called: PALMOPLANTAR KERATODERMA WITH LEFT VENTRICULAR CARDIOMYOPATHY AND WOOLLY HAIR; Carvajal syndrome; Dilated cardiomyopathy with woolly hair and keratoderma; Arrhythmogenic cardiomyopathy with woolly hair and keratoderma. Identifiers: Orphanet 65282, MedGen C1854063, MONDO:0011581, OMIM 605676.

Submission:

All of Us Research Program, National Institutes of Health
Classification: Uncertain significance for Arrhythmogenic cardiomyopathy with wooly hair and keratoderma. Last evaluated: 2023-07-19. Review status: criteria provided, single submitter. Criteria: ACMG Guidelines, 2015. Collection method: clinical testing. Allele origin: germline. Inheritance: Autosomal dominant inheritance. Observed: 1 variant allele, 1 heterozygote.
Comment: This missense variant replaces aspartic acid with glutamic acid at codon 2117 of the DSP protein. Computational prediction suggests that this variant may not impact protein structure and function (internally defined REVEL score threshold <= 0.5, PMID: 27666373). To our knowledge, functional studies have not been reported for this variant. This variant has not been reported in individuals affected with DSP-related disorders in the literature. This variant has not been identified in the general population by the Genome Aggregation Database (gnomAD). The available evidence is insufficient to determine the role of this variant in disease conclusively. Therefore, this variant is classified as a Variant of Uncertain Significance.

This study involves interpretation of variants in research participants for the purpose of population health screening. Participant phenotype was not available at the time of variant classification. Additional details can be found in publication PMID: 35346344, PMCID: PMC8962531